The following is an entry in ClinVar:

ClinVar aggregate classification (germline): Likely benign. Review status: criteria provided, multiple submitters, no conflicts (2 of 4 stars). 3 submissions from 3 submitters: Likely benign (2). 1 of the submissions does not count toward it. Last evaluated 2018-02-26.

Conditions:
ABCC1-related disorder. Also called: ABCC1-related condition.

Allele frequency attached by ClinVar (database versions not stated): gnomAD exomes 0.00033; ExAC 0.00043; ESP Exome Variant Server 0.00080; 1000 Genomes Project 30x 0.00109; gnomAD 0.00128 and 0.00134; 1000 Genomes Project 0.00140; TOPMed 0.00137.
gnomAD v4.1: 442 of 1,612,914 alleles (0.027%); highest among the groups gnomAD compares: African/African-American, 0.36%; 4 homozygotes.

Submissions (3):

Labcorp Genetics (formerly Invitae), Labcorp
Classification: Likely benign. Last evaluated: 2018-02-26. Review status: criteria provided, single submitter. Criteria: Invitae Variant Classification Sherloc (09022015). Collection method: clinical testing. Allele origin: germline.

Breakthrough Genomics
Classification: Likely benign. Review status: criteria provided, single submitter. Criteria: ACMG Guidelines, 2015. Collection method: not provided. Allele origin: germline. Inheritance: Autosomal dominant inheritance. Affected: yes.

PreventionGenetics, part of Exact Sciences
Classification: Likely benign for ABCC1-related condition. Last evaluated: 2021-01-18. Review status: no assertion criteria provided. Collection method: clinical testing. Allele origin: germline. Not counted in ClinVar's aggregate classification.
Comment: This variant is classified as likely benign based on ACMG/AMP sequence variant interpretation guidelines (Richards et al. 2015 PMID: 25741868, with internal and published modifications).

NM_004996.4(ABCC1):c.1911C>T (p.Asp637=)

Gene: ABCC1 (ATP binding cassette subfamily C member 1 (ABCC1 blood group); plus strand). Cytogenetic location: 16p13.11.
Variant type: single nucleotide variant.
Coding change: c.1911C>T on transcript NM_004996.4 (MANE Select); coding-DNA position 1911, C replaced by T.
Protein change: p.Asp637=; no amino-acid change (aspartic acid 637 retained).
Molecular consequence: synonymous variant.
Genome position (GRCh38, 1-based): chr16:16,071,728, C>T. VCF-style: chr16-16071728-C-T. GRCh37 (hg19) VCF-style: chr16-16165585-C-T.
Identifiers: ClinVar variation 779968 (VCV000779968.6), dbSNP rs8187859, ClinGen allele CA7924073.